The following is an entry in ClinVar:

NM_013339.4(ALG6):c.864dup (p.Lys289Ter)

Gene: ALG6 (ALG6 alpha-1,3-glucosyltransferase; plus strand). Cytogenetic location: 1p31.3.
Variant type: Duplication.
Coding change: c.864dup on transcript NM_013339.4 (MANE Select); coding-DNA position 864, one base duplicated (T; older notation c.864dupT).
Protein change: p.Lys289Ter; replaces lysine 289 with a stop codon.
Molecular consequence: nonsense.
Genome position (GRCh38, 1-based): chr1:63,414,108, T duplicated; the last of 2 consecutive T bases (chr1:63,414,107-63,414,108); duplicating either gives the same sequence. VCF-style (leftmost placement, unchanged base first): chr1-63414106-A-AT. GRCh37 (hg19) VCF-style: chr1-63879777-A-AT.
Other names: short protein forms K289*.
Identifiers: ClinVar variation 3767109 (VCV003767109.3).

ClinVar aggregate classification (germline): Likely pathogenic (1 of 4 stars; one submission).

Conditions:
ALG6-congenital disorder of glycosylation 1C (CDG1C). Also called: CDG Ic; CARBOHYDRATE-DEFICIENT GLYCOPROTEIN SYNDROME, TYPE I, WITH DEFICIENT GLYCOSYLATION OF DOLICHOL-LINKED OLIGOSACCHARIDE; CARBOHYDRATE-DEFICIENT GLYCOPROTEIN SYNDROME, TYPE V; Congenital disorder of glycosylation type 1C; Congenital disorder of glycosylation, type Ic. Identifiers: Orphanet 79320, MedGen C2930997, MONDO:0011291, OMIM 603147.

Submission:

Juno Genomics, Hangzhou Juno Genomics, Inc
Classification: Likely pathogenic for ALG6-congenital disorder of glycosylation 1C. Review status: criteria provided, single submitter. Criteria: ACMG Guidelines, 2015. Collection method: clinical testing. Allele origin: germline. Affected: yes.
Comment: Absent from controls (or at extremely low frequency if recessive) in Genome Aggregation Database, Exome Sequencing Project, 1000 Genomes Project, or Exome Aggregation Consortium.;Null variant in a gene where loss of function (LOF) is a known mechanism of disease.